The following is an entry in ClinVar:

NM_000545.8(HNF1A):c.1501+1G>A

Gene: HNF1A (HNF1 homeobox A; plus strand). Cytogenetic location: 12q24.31.
Variant type: single nucleotide variant.
Coding change: c.1501+1G>A on transcript NM_000545.8 (MANE Select); the canonical splice donor site of the intron after coding-DNA position 1501, G replaced by A.
Molecular consequence: splice donor variant. On other transcripts: intron variant (1).
Genome position (GRCh38, 1-based): chr12:120,997,666, G>A. VCF-style: chr12-120997666-G-A. GRCh37 (hg19) VCF-style: chr12-121435469-G-A.
Other names: NM_000545.6(HNF1A):c.1501+1G>A; c.1501+1G>A (NM_001306179.2); c.1309+924G>A (NM_001406915.1).
Identifiers: ClinVar variation 430837 (VCV000430837.10), dbSNP rs1131692182, ClinGen allele CA386970409.

ClinVar aggregate classification (germline): Likely pathogenic. Review status: reviewed by expert panel (3 of 4 stars). 6 submissions from 6 submitters: Likely pathogenic (1). 5 of the submissions do not count toward it. Last evaluated 2025-11-26.

Conditions:
Monogenic diabetes. Identifiers: Orphanet 183625, MedGen C3888631, MONDO:0015967.
Nonpapillary renal cell carcinoma. Identifiers: Orphanet 422526, MedGen CN074294, MONDO:0007763, OMIM 144700.
Hepatic adenomas, familial. Also called: HEPATIC ADENOMA, SOMATIC; LIVER CELL ADENOMAS, FAMILIAL. Identifiers: MedGen C1840646, MONDO:0007718, OMIM 142330.
Diabetes mellitus type 1 (T1D). Also called: Diabetes Mellitus, Juvenile-Onset; Type I diabetes mellitus. Identifiers: MedGen C0011854, MONDO:0005147, OMIM 222100, HP:0100651.
Type 1 diabetes mellitus 20 (T1D20). Also called: Diabetes mellitus, insulin-dependent, 20. Identifiers: MedGen C2675866, MONDO:0012919, OMIM 612520.
Maturity-onset diabetes of the young type 3. Also called: MODY, type III; MODY type 3. Identifiers: Orphanet 552, MedGen C1838100, MeSH C563933, MONDO:0010894, OMIM 600496. Disease mechanism: loss of function.
Type 2 diabetes mellitus. Also called: Type II diabetes mellitus. Identifiers: MedGen C0011860, MeSH D003924, MONDO:0005148, OMIM 125853, HP:0005978.
Maturity-onset diabetes of the young (MODY). Also called: Maturity onset diabetes mellitus in young. Identifiers: Orphanet 552, MedGen C0342276, MONDO:0018911, HP:0004904.

Allele frequency attached by ClinVar (database versions not stated): TOPMed below 0.00001.

Submissions (6):

ClinGen Monogenic Diabetes Variant Curation Expert Panel
Classification: Likely pathogenic for Monogenic diabetes. Last evaluated: 2025-11-26. Review status: reviewed by expert panel. Criteria: ClinGen Diabetes ACMG Specifications HNF1A V3.1.0. Collection method: curation. Allele origin: germline. Inheritance: Autosomal dominant inheritance.
Comment: The c.1501+1G>A variant in the HNF1 homeobox A gene, HNF1A, is predicted to remove a canonical splice donor site in intron 7 of NM_000545.8. This variant is predicted to cause an in-frame deletion of biologically-relevant exon 7 of 10, removing more than 18% of the transactivation domain, a region important for protein function (PVS1; PMID: 23348805). Additionally, this variant is absent from gnomAD v2.1.1 (PM2_Supporting). The nucleotide change, c.1501+1G>T, which causes the same splice donor loss, has been reported in a patient with monogenic diabetes; however, the c.1501+1G>T variant has not met the criteria to be classified as pathogenic for monogenic diabetes by the ClinGen MDEP. In summary, c.1501+1G>A meets the criteria to be classified as likely pathogenic for monogenic diabetes. ACMG/AMP criteria applied, as specified by the ClinGen MDEP VCEP (specification version 3.1.0, approved 10/10/2025): PVS1, PM2_Supporting.

Gene Mapping Laboratory, Hacettepe University
Classification: Pathogenic for Maturity-onset diabetes of the young type 3. Last evaluated: 2026-10-23. Review status: criteria provided, single submitter. Criteria: ACMG Guidelines, 2015. Collection method: research. Allele origin: maternal. Inheritance: Autosomal dominant inheritance. Affected: yes. Observed: 1 variant allele, 1 heterozygote. Not counted in ClinVar's aggregate classification.
Comment: This heterozygous variant affects a canonical splice donor site and is predicted to disrupt normal HNF1A splicing, potentially resulting in loss of protein function (PVS1). This variant is rare in population databases (PM2). This variant has previously been associated with disease in ClinVar (PP5).

Laboratory for Molecular Medicine, Mass General Brigham Personalized Medicine
Classification: Likely pathogenic for Maturity-onset diabetes of the young. Last evaluated: 2022-11-03. Review status: criteria provided, single submitter. Criteria: ACMG Guidelines, 2015. Collection method: clinical testing. Allele origin: germline. Not counted in ClinVar's aggregate classification.
Comment: The c.1501+1G>A variant in HNF1A has not been reported in individuals with diabetes. This variant was classified as Likely Pathogenic on April 16, 2022 by the ClinGen-approved ClinGen Monogenic Diabetes Variant Curation Expert Panel (Variation ID 430837) and was absent from large population studies. This variant occurs within the canonical splice site (+/- 1,2) and is predicted to cause altered splicing leading to an abnormal or absent protein.The c.1501+1G>T and c.1501+G>C variants in HNF1A, which are predicted to have similar effect on splicing, have been previously identified in individuals with maturity onset diabetes of the young (Maraschin 2008 PMID: 19169489, Coclough 2013 PMID: 23348805). Loss of function of the HNF1A gene is an established disease mechanism in autosomal dominant maturity onset diabetes of the young. In summary, although additional studies are required to fully establish its clinical significance, this variant meets criteria to be classified as likely pathogenic for autosomal dominant maturity onset diabetes of the young. ACMG/AMP Criteria applied: PVS1, PM2_Supporting.

Fulgent Genetics
Classification: Pathogenic for Type 2 diabetes mellitus; Hepatic adenomas, familial; Nonpapillary renal cell carcinoma; Diabetes mellitus type 1; Maturity-onset diabetes of the young type 3; Type 1 diabetes mellitus 20. Last evaluated: 2021-09-09. Review status: criteria provided, single submitter. Criteria: ACMG Guidelines, 2015. Collection method: clinical testing. Allele origin: unknown. Not counted in ClinVar's aggregate classification.

Institute of Endocrinology, Diabetes & Metabolism, Max Healthcare Institute Ltd.
Classification: Likely pathogenic for Maturity-onset diabetes of the young type 3. Last evaluated: 2017-06-30. Review status: criteria provided, single submitter. Criteria: Strand Lifesciences Variant Classification assertion criteria. Collection method: research. Allele origin: germline. Inheritance: Autosomal dominant inheritance. Observed: 1 variant allele, 1 heterozygote. Not counted in ClinVar's aggregate classification.
Comment: The identified heterozygous variant (c.1501+1G>A) lies in an essential splice donor site downstream of exon 7 of the HNF1A gene. In silico splice prediction tools (NNSPLICE and ASSP) predict that this variant is likely to disrupt the splice site at the junction of exon 7 and intron 7 of the HNF1A gene. This could lead to a frameshift, which will probably result in truncation of the protein. Moreover, due to introduction of premature stop codon, this aberrant transcript will likely be targeted by nonsense mediated mRNA decay (NMD) mechanism. The identified variant seems to be a novel, as it has not been previously reported in literature nor previously identified by our laboratory. The identified variant disrupts an essential splice site and is likely to result in a truncated protein. In addition, it lies in the vicinity of other variants associated with MODY. Thus, it has been labelled as 'likely pathogenic' (likely disease-causing).

Clinical Genomics, Uppaluri K&H Personalized Medicine Clinic
Classification: Likely pathogenic for Maturity-onset diabetes of the young. Review status: criteria provided, single submitter. Criteria: K & H Uppaluri Personalized Medicine Clinic Variant Classification & Assertion Criteria_Updated V.1. Collection method: research. Allele origin: unknown. Inheritance: Autosomal dominant inheritance. Not counted in ClinVar's aggregate classification.
Comment: Mutations in HNF1A gene can predispose to MODY3. It is associated with both micro and macrovascular complications of diabetes, especially cardiovascular complications. Associated with glucosuria. May respond well to sulfonylureas. However, more evidence is required to confer the association of this particular variant rs1131692182 with MODY3.

Literature cited by the submitters: PubMed 31447099 (cited by Laboratory for Molecular Medicine, Mass General Brigham Personalized Medicine); PubMed 19169489 (cited by Laboratory for Molecular Medicine, Mass General Brigham Personalized Medicine); PubMed 23348805 (cited by Laboratory for Molecular Medicine, Mass General Brigham Personalized Medicine); PubMed 28012402 (cited by Laboratory for Molecular Medicine, Mass General Brigham Personalized Medicine); PubMed 31517624 (cited by Clinical Genomics, Uppaluri K&H Personalized Medicine Clinic); PubMed 32395877 (cited by Clinical Genomics, Uppaluri K&H Personalized Medicine Clinic); PubMed 35328643 (cited by Clinical Genomics, Uppaluri K&H Personalized Medicine Clinic); PubMed 35673428 (cited by Clinical Genomics, Uppaluri K&H Personalized Medicine Clinic).